The following is an entry in ClinVar:

ClinVar aggregate classification (germline): Likely pathogenic (1 of 4 stars; one submission).

Submission:

Labcorp Genetics (formerly Invitae), Labcorp
Classification: Likely pathogenic. Last evaluated: 2023-12-05. Review status: criteria provided, single submitter. Criteria: Invitae Variant Classification Sherloc (09022015). Collection method: clinical testing. Allele origin: germline.
Comment: This variant results in the deletion of part of exon 7 (c.687-144_729del) of the ADAMTS13 gene. It is expected to disrupt RNA splicing. Variants that disrupt the donor or acceptor splice site typically lead to a loss of protein function (PMID: 16199547), and loss-of-function variants in ADAMTS13 are known to be pathogenic (PMID: 11586351, 12753286, 21781265). The frequency data for this variant in the population databases is considered unreliable, as metrics indicate insufficient coverage at this position in the gnomAD database. This variant has not been reported in the literature in individuals affected with ADAMTS13-related conditions. This variant disrupts a region of the ADAMTS13 protein in which other variant(s) (p.Asp235Tyr) have been observed in individuals with ADAMTS13-related conditions (PMID: 23346910, 26342041, 29554699). This suggests that this is a clinically significant region of the protein, and that variants that disrupt it are likely to be disease-causing. In summary, the currently available evidence indicates that the variant is pathogenic, but additional data are needed to prove that conclusively. Therefore, this variant has been classified as Likely Pathogenic.

Literature cited by the submitters: PubMed 16199547; PubMed 11586351; PubMed 12753286; PubMed 21781265; PubMed 23346910; PubMed 26342041; PubMed 29554699.

NM_139027.6(ADAMTS13):c.687-144_729del

Gene: ADAMTS13 (ADAM metallopeptidase with thrombospondin type 1 motif 13; plus strand). Cytogenetic location: 9q34.2.
Variant type: Deletion.
Coding change: c.687-144_729del on transcript NM_139027.6 (MANE Select); 144 bases into the intron before coding-DNA position 687 through coding-DNA position 729, 187 bases deleted.
Molecular consequence: splice acceptor variant.
Genome position (GRCh38, 1-based): chr9:133,428,490-133,428,676, 187 bases deleted. GRCh37 (hg19): chr9:136,293,610-136,293,796.
Other names: c.687-144_729del (NM_139025.5, NM_139026.6).
Identifiers: ClinVar variation 2700963 (VCV002700963.3), dbSNP rs2491096625, ClinGen allele CA2697558184.